The following is an entry in ClinVar:

NM_152730.6(TBC1D32):c.3034G>A (p.Gly1012Ser)

Gene: TBC1D32 (TBC1 domain family member 32; minus strand). Cytogenetic location: 6q22.31.
Variant type: single nucleotide variant.
Coding change: c.3034G>A on transcript NM_152730.6 (MANE Select); coding-DNA position 3034, G replaced by A.
Protein change: p.Gly1012Ser; replaces glycine 1012 with serine.
Molecular consequence: missense variant. On other transcripts: non-coding transcript variant (1).
Genome position (GRCh38, 1-based): chr6:121,115,191, C>T on the plus strand (G>A on the coding strand, the complement: TBC1D32 is on the minus strand). VCF-style: chr6-121115191-C-T. GRCh37 (hg19) VCF-style: chr6-121436337-C-T.
Other names: c.3157G>A, p.Gly1053Ser (NM_001367759.1, NM_001367760.1); short protein forms G1012S, G1053S.
Identifiers: ClinVar variation 4769198 (VCV004769198.1).

ClinVar aggregate classification (germline): Uncertain significance (1 of 4 stars; one submission).

Submission:

Labcorp Genetics (formerly Invitae), Labcorp
Classification: Uncertain significance. Last evaluated: 2025-05-18. Review status: criteria provided, single submitter. Criteria: Invitae Variant Classification Sherloc (09022015). Collection method: clinical testing. Allele origin: germline.
Comment: This sequence change replaces glycine, which is neutral and non-polar, with serine, which is neutral and polar, at codon 1012 of the TBC1D32 protein (p.Gly1012Ser). This variant is not present in population databases (gnomAD no frequency). This variant has not been reported in the literature in individuals affected with TBC1D32-related conditions. An algorithm developed to predict the effect of missense changes on protein structure and function (PolyPhen-2) suggests that this variant is likely to be disruptive. Algorithms developed to predict the effect of sequence changes on RNA splicing suggest that this variant may disrupt the consensus splice site. In summary, the available evidence is currently insufficient to determine the role of this variant in disease. Therefore, it has been classified as a Variant of Uncertain Significance.